The following is an entry in ClinVar:

ClinVar aggregate classification (germline): Benign (1 of 4 stars; one submission).

Allele frequency attached by ClinVar (database versions not stated): gnomAD exomes 0.00007; 1000 Genomes Project 30x 0.00016; 1000 Genomes Project 0.00020; gnomAD 0.00052 and 0.00058; ExAC 0.00007; TOPMed 0.00062.

Submission:

GeneDx
Classification: Benign. Last evaluated: 2014-04-23. Review status: criteria provided, single submitter. Criteria: GeneDx Variant Classification (06012015). Collection method: clinical testing. Allele origin: germline. Affected: yes.
Comment: This variant is considered likely benign or benign based on one or more of the following criteria: it is a conservative change, it occurs at a poorly conserved position in the protein, it is predicted to be benign by multiple in silico algorithms, and/or has population frequency not consistent with disease.

NM_015697.9(COQ2):c.-23C>T

Gene: COQ2 (coenzyme Q2, polyprenyltransferase; minus strand). Cytogenetic location: 4q21.23.
Variant type: single nucleotide variant.
Coding change: c.-23C>T on transcript NM_015697.9; 23 bases upstream of the start codon, C replaced by T.
Molecular consequence: 5 prime UTR variant.
Genome position (GRCh38, 1-based): chr4:83,284,937, G>A on the plus strand (C>T on the coding strand, the complement: COQ2 is on the minus strand). VCF-style: chr4-83284937-G-A. GRCh37 (hg19) VCF-style: chr4-84206090-G-A.
Identifiers: ClinVar variation 136976 (VCV000136976.3), dbSNP rs560487118, ClinGen allele CA290427.
Genomic context (GRCh38, chr4:83,284,937, plus strand): 5'-GAACCTTTCCTCATCCTTACTTGTGAAATTGGGGTCATCGTGGTCGCTTACTCTAGGGAG[G>A]AATACTTAATGAAAAAGGGATTTCTATTGGCAAAAGGCAAAAAAATTACAATAAATTTAG-3'